The following is an entry in ClinVar:

ClinVar aggregate classification (germline): Uncertain significance (1 of 4 stars; one submission).

Conditions:
Ehlers-Danlos syndrome, musculocontractural type 2 (EDSMC2). Identifiers: Orphanet 2953, MedGen C3809845, MONDO:0014236, OMIM 615539.

Allele frequency attached by ClinVar (database versions not stated): gnomAD exomes below 0.00001.
gnomAD v4.1: 5 of 1,613,962 alleles (0.00031%); highest among the groups gnomAD compares: African/African-American, 0.0013%; no homozygotes.

Submission:

Labcorp Genetics (formerly Invitae), Labcorp
Classification: Uncertain significance for Ehlers-Danlos syndrome, musculocontractural type 2. Last evaluated: 2022-10-02. Review status: criteria provided, single submitter. Criteria: Invitae Variant Classification Sherloc (09022015). Collection method: clinical testing. Allele origin: germline.
Comment: In summary, the available evidence is currently insufficient to determine the role of this variant in disease. Therefore, it has been classified as a Variant of Uncertain Significance. Advanced modeling of protein sequence and biophysical properties (such as structural, functional, and spatial information, amino acid conservation, physicochemical variation, residue mobility, and thermodynamic stability) performed at Invitae indicates that this missense variant is not expected to disrupt DSE protein function. This variant has not been reported in the literature in individuals affected with DSE-related conditions. This variant is not present in population databases (gnomAD no frequency). This sequence change replaces lysine, which is basic and polar, with arginine, which is basic and polar, at codon 234 of the DSE protein (p.Lys234Arg).

NM_013352.4(DSE):c.701A>G (p.Lys234Arg)

Gene: DSE (dermatan sulfate epimerase; plus strand). Cytogenetic location: 6q22.1.
Variant type: single nucleotide variant.
Coding change: c.701A>G on transcript NM_013352.4 (MANE Select); coding-DNA position 701, A replaced by G.
Protein change: p.Lys234Arg; replaces lysine 234 with arginine.
Molecular consequence: missense variant. On other transcripts: 5 prime UTR variant (1), non-coding transcript variant (1), intron variant (2).
Genome position (GRCh38, 1-based): chr6:116,430,984, A>G. VCF-style: chr6-116430984-A-G. GRCh37 (hg19) VCF-style: chr6-116752147-A-G.
Other names: c.701A>G, p.Lys234Arg (NM_001080976.3, NM_001322937.2, NM_001322938.2 and 2 more transcripts); c.758A>G, p.Lys253Arg (NM_001322939.2); c.140A>G, p.Lys47Arg (NM_001322940.2, NM_001322941.2); c.-163A>G (NM_001374520.1); c.83+4157A>G (NM_001374521.1); c.670+4157A>G (NM_001322943.2); short protein forms K47R, K253R, K234R.
Identifiers: ClinVar variation 1985735 (VCV001985735.4), dbSNP rs1783796878, ClinGen allele CA365391670.